The following is an entry in ClinVar:

NM_001037.5(SCN1B):c.448+342T>A

Gene: SCN1B (sodium voltage-gated channel beta subunit 1; plus strand). Cytogenetic location: 19q13.11.
Variant type: single nucleotide variant.
Coding change: c.448+342T>A on transcript NM_001037.5 (MANE Select); 342 bases into the intron after coding-DNA position 448, T replaced by A.
Molecular consequence: intron variant. On other transcripts: missense variant (1).
Genome position (GRCh38, 1-based): chr19:35,034,081, T>A. VCF-style: chr19-35034081-T-A. GRCh37 (hg19) VCF-style: chr19-35524985-T-A.
Other names: c.790T>A, p.Ser264Thr (NM_199037.5); c.349+342T>A (NM_001321605.2); short protein forms S264T.
Identifiers: ClinVar variation 2851148 (VCV002851148.3), dbSNP rs2064233556, ClinGen allele CA405329855.

ClinVar aggregate classification (germline): Uncertain significance (1 of 4 stars; one submission).

Conditions:
Brugada syndrome 5 (BRGDA5). Identifiers: Orphanet 130, Orphanet 871, MedGen C2748541, MONDO:0013015, OMIM 612838.

Allele frequency attached by ClinVar (database versions not stated): TOPMed below 0.00001.

Submission:

Labcorp Genetics (formerly Invitae), Labcorp
Classification: Uncertain significance for Brugada syndrome 5. Last evaluated: 2024-05-21. Review status: criteria provided, single submitter. Criteria: Invitae Variant Classification Sherloc (09022015). Collection method: clinical testing. Allele origin: germline.
Comment: This sequence change replaces serine, which is neutral and polar, with threonine, which is neutral and polar, at codon 264 of the SCN1B protein (p.Ser264Thr). This variant is not present in population databases (gnomAD no frequency). This variant has not been reported in the literature in individuals affected with SCN1B-related conditions. An algorithm developed to predict the effect of missense changes on protein structure and function (PolyPhen-2) suggests that this variant is likely to be tolerated. In summary, the available evidence is currently insufficient to determine the role of this variant in disease. Therefore, it has been classified as a Variant of Uncertain Significance.